The following is an entry in ClinVar:

ClinVar aggregate classification (germline): Pathogenic/Likely pathogenic. Review status: criteria provided, multiple submitters, no conflicts (2 of 4 stars). 4 submissions from 4 submitters: Pathogenic (2); Likely pathogenic (1). 1 of the submissions does not count toward it. Last evaluated 2026-08-06.

Conditions:
PGM1-congenital disorder of glycosylation. Also called: CDG It; Congenital disorder of glycosylation type 1t; PHOSPHOGLUCOMUTASE 1 DEFICIENCY; PGM1 DEFICIENCY; GLYCOGEN STORAGE DISEASE XIV; GSD XIV. Identifiers: Orphanet 319646, MedGen C2752015, MONDO:0013968, OMIM 614921.

Submissions (4):

OLLIN Analises Genomicas, OLLIN
Classification: Likely pathogenic for PGM1-congenital disorder of glycosylation. Last evaluated: 2026-08-06. Review status: criteria provided, single submitter. Criteria: ACMG Guidelines 2015 PMID 25741868. Collection method: clinical testing. Allele origin: germline.
Comment: This frameshift variant, located in exon 4 (of 11), has been reported in ClinVar (accession VCV000133290.9) and in gnomAD with an allele frequency of 0.0062%. However, to our knowledge, it has not been reported in the scientific literature. This variant causes a frameshift and introduces a premature stop codon, which is predicted to result in either a truncated protein or degradation of the mRNA via nonsense-mediated decay (NMD). According to the currently available evidence, this variant has been classified as likely pathogenic (PVS1, PM2_P).

GeneDx
Classification: Pathogenic. Last evaluated: 2026-04-14. Review status: criteria provided, single submitter. Criteria: GeneDx Variant Classification Process June 2021. Collection method: clinical testing. Allele origin: germline.
Comment: Frameshift variant predicted to result in protein truncation or nonsense mediated decay in a gene for which loss of function is a known mechanism of disease; Not observed at significant frequency in large population cohorts (gnomAD); This variant is associated with the following publications: (PMID: 31589614, 34269512, 33342467, 24499211)

Labcorp Genetics (formerly Invitae), Labcorp
Classification: Pathogenic for PGM1-congenital disorder of glycosylation. Last evaluated: 2025-12-09. Review status: criteria provided, single submitter. Criteria: Invitae Variant Classification Sherloc (09022015). Collection method: clinical testing. Allele origin: germline.
Comment: This sequence change creates a premature translational stop signal (p.Arg221Valfs*13) in the PGM1 gene. It is expected to result in an absent or disrupted protein product. Loss-of-function variants in PGM1 are known to be pathogenic (PMID: 22492991). This variant is present in population databases (rs758688811, gnomAD 0.007%). This premature translational stop signal has been observed in individual(s) with PGM1 deficiency (PMID: 24499211). ClinVar contains an entry for this variant (Variation ID: 133290). For these reasons, this variant has been classified as Pathogenic.

OMIM
Classification: Pathogenic for CONGENITAL DISORDER OF GLYCOSYLATION, TYPE It. Last evaluated: 2014-02-06. Review status: no assertion criteria provided. Collection method: literature only. Allele origin: germline. Not counted in ClinVar's aggregate classification.

Literature cited by the submitters: PubMed 22492991 (cited by Labcorp Genetics (formerly Invitae), Labcorp); PubMed 24499211 (cited by Labcorp Genetics (formerly Invitae), Labcorp and OMIM).

NM_002633.3(PGM1):c.661del (p.Arg221fs)

Gene: PGM1 (phosphoglucomutase 1; plus strand). Cytogenetic location: 1p31.3.
Variant type: Deletion.
Coding change: c.661del on transcript NM_002633.3 (MANE Select); coding-DNA position 661, one base deleted (C; older notation c.661delC).
Protein change: p.Arg221fs; shifts the reading frame from arginine 221.
Molecular consequence: frameshift variant.
Genome position (GRCh38, 1-based): chr1:63,631,761, C deleted; the last of 2 consecutive C bases (chr1:63,631,760-63,631,761); deleting either gives the same sequence. VCF-style (leftmost placement, unchanged base first): chr1-63631759-TC-T. GRCh37 (hg19) VCF-style: chr1-64097430-TC-T.
Other names: c.715del, p.Arg239fs (NM_001172818.1); c.70del, p.Arg24fs (NM_001172819.2); short protein forms R221fs, R24fs, R239fs.
Identifiers: ClinVar variation 133290 (VCV000133290.11), dbSNP rs587777405, ClinGen allele CA156394.